The following is an entry in ClinVar:

NM_022047.4(DEF6):c.1819C>T (p.Leu607Phe)

Gene: DEF6 (DEF6 guanine nucleotide exchange factor; plus strand). Cytogenetic location: 6p21.31.
Variant type: single nucleotide variant.
Coding change: c.1819C>T on transcript NM_022047.4 (MANE Select); coding-DNA position 1819, C replaced by T.
Protein change: p.Leu607Phe; replaces leucine 607 with phenylalanine.
Molecular consequence: missense variant.
Genome position (GRCh38, 1-based): chr6:35,321,333, C>T. VCF-style: chr6-35321333-C-T. GRCh37 (hg19) VCF-style: chr6-35289110-C-T.
Other names: c.1819C>T (NM_022047.3); short protein forms L607F.
Identifiers: ClinVar variation 1989904 (VCV001989904.4), dbSNP rs751024827, ClinGen allele CA3771022.

ClinVar aggregate classification (germline): Uncertain significance. Review status: criteria provided, multiple submitters, no conflicts (2 of 4 stars). 2 submissions from 2 submitters: Uncertain significance (2). Last evaluated 2025-12-04.

Allele frequency attached by ClinVar (database versions not stated): gnomAD 0.00001; ExAC 0.00002; TOPMed 0.00002.
gnomAD v4.1: 11 of 1,614,040 alleles (0.00068%); highest among the groups gnomAD compares: Middle Eastern, 0.049%; no homozygotes.

Submissions (2):

Ambry Genetics
Classification: Uncertain significance. Last evaluated: 2025-12-04. Review status: criteria provided, single submitter. Criteria: Ambry Variant Classification Scheme 2023. Collection method: clinical testing. Allele origin: germline.

Labcorp Genetics (formerly Invitae), Labcorp
Classification: Uncertain significance. Last evaluated: 2024-10-27. Review status: criteria provided, single submitter. Criteria: Invitae Variant Classification Sherloc (09022015). Collection method: clinical testing. Allele origin: germline.
Comment: This sequence change replaces leucine, which is neutral and non-polar, with phenylalanine, which is neutral and non-polar, at codon 607 of the DEF6 protein (p.Leu607Phe). This variant is present in population databases (rs751024827, gnomAD 0.004%). This variant has not been reported in the literature in individuals affected with DEF6-related conditions. ClinVar contains an entry for this variant (Variation ID: 1989904). An algorithm developed to predict the effect of missense changes on protein structure and function (PolyPhen-2) suggests that this variant is likely to be tolerated. In summary, the available evidence is currently insufficient to determine the role of this variant in disease. Therefore, it has been classified as a Variant of Uncertain Significance.